The following is an entry in ClinVar:

ClinVar aggregate classification (germline): Uncertain significance (1 of 4 stars; one submission).

gnomAD v4.1: 7 of 1,611,198 alleles (0.00043%); highest among the groups gnomAD compares: African/African-American, 0.0067%; no homozygotes.

Submission:

GeneDx
Classification: Uncertain significance. Last evaluated: 2025-04-24. Review status: criteria provided, single submitter. Criteria: GeneDx Variant Classification Process June 2021. Collection method: clinical testing. Allele origin: germline. Affected: yes.
Comment: Not observed at significant frequency in large population cohorts (gnomAD); In silico analysis supports that this missense variant has a deleterious effect on protein structure/function; Has not been previously published as pathogenic or benign to our knowledge

NM_016035.5(COQ4):c.122A>G (p.His41Arg)

Genes: COQ4 (coenzyme Q4; plus strand), LOC130002704 (ATAC-STARR-seq lymphoblastoid silent region 20335; plus strand). Cytogenetic location: 9q34.11.
Variant type: single nucleotide variant.
Coding change: c.122A>G on transcript NM_016035.5 (MANE Select); coding-DNA position 122, A replaced by G.
Protein change: p.His41Arg; replaces histidine 41 with arginine.
Molecular consequence: missense variant.
Genome position (GRCh38, 1-based): chr9:128,323,067, A>G. VCF-style: chr9-128323067-A-G. GRCh37 (hg19) VCF-style: chr9-131085346-A-G.
Other names: c.122A>G, p.His41Arg (NM_001305942.2); short protein forms H41R.
Identifiers: ClinVar variation 4528250 (VCV004528250.1).